The following is an entry in ClinVar:

NM_004438.5(EPHA4):c.1795C>A (p.Pro599Thr)

Gene: EPHA4 (EPH receptor A4; minus strand). Cytogenetic location: 2q36.1.
Variant type: single nucleotide variant.
Coding change: c.1795C>A on transcript NM_004438.5 (MANE Select); coding-DNA position 1795, C replaced by A.
Protein change: p.Pro599Thr; replaces proline 599 with threonine.
Molecular consequence: missense variant.
Genome position (GRCh38, 1-based): chr2:221,443,586, G>T on the plus strand (C>A on the coding strand, the complement: EPHA4 is on the minus strand). VCF-style: chr2-221443586-G-T. GRCh37 (hg19) VCF-style: chr2-222308306-G-T.
Other names: c.1795C>A, p.Pro599Thr (NM_001304536.2, NM_001363748.2); c.1642C>A, p.Pro548Thr (NM_001304537.2); short protein forms P548T, P599T.
Identifiers: ClinVar variation 1949898 (VCV001949898.5), dbSNP rs755954200, ClinGen allele CA350404834.

ClinVar aggregate classification (germline): Uncertain significance (1 of 4 stars; one submission).

gnomAD v4.1: 11 of 1,613,618 alleles (0.00068%); highest among the groups gnomAD compares: Non-Finnish European, 0.00093%; no homozygotes.

Submission:

Labcorp Genetics (formerly Invitae), Labcorp
Classification: Uncertain significance. Last evaluated: 2022-02-19. Review status: criteria provided, single submitter. Criteria: Invitae Variant Classification Sherloc (09022015). Collection method: clinical testing. Allele origin: germline.
Comment: This sequence change replaces proline, which is neutral and non-polar, with threonine, which is neutral and polar, at codon 599 of the EPHA4 protein (p.Pro599Thr). In summary, the available evidence is currently insufficient to determine the role of this variant in disease. Therefore, it has been classified as a Variant of Uncertain Significance. Algorithms developed to predict the effect of missense changes on protein structure and function (SIFT, PolyPhen-2, Align-GVGD) all suggest that this variant is likely to be disruptive. This variant has not been reported in the literature in individuals affected with EPHA4-related conditions. This variant is not present in population databases (gnomAD no frequency).